The following is an entry in ClinVar:

ClinVar aggregate classification (germline): Uncertain significance. Review status: criteria provided, multiple submitters, no conflicts (2 of 4 stars). 4 submissions from 4 submitters: Uncertain significance (3). 1 of the submissions does not count toward it. Last evaluated 2022-09-01.

Conditions:
Retinal dystrophy. Also called: Inherited retinal dystrophy. Identifiers: Orphanet 71862, MedGen C0854723, MeSH D058499, MONDO:0019118, HP:0000556.
Inborn genetic diseases. Identifiers: MedGen C0950123, MeSH D030342.

Allele frequency attached by ClinVar (database versions not stated): gnomAD exomes 0.00004 and 0.00006; ExAC 0.00005; TOPMed 0.00009; gnomAD 0.00010; 1000 Genomes Project 30x 0.00016; ESP Exome Variant Server 0.00016; 1000 Genomes Project 0.00020.
gnomAD v4.1: 79 of 1,614,098 alleles (0.0049%); highest among the groups gnomAD compares: African/African-American, 0.024%; no homozygotes.

Submissions (4):

Labcorp Genetics (formerly Invitae), Labcorp
Classification: Uncertain significance. Last evaluated: 2022-09-01. Review status: criteria provided, single submitter. Criteria: Invitae Variant Classification Sherloc (09022015). Collection method: clinical testing. Allele origin: germline.
Comment: This sequence change replaces arginine, which is basic and polar, with cysteine, which is neutral and slightly polar, at codon 712 of the CNGB1 protein (p.Arg712Cys). This variant is present in population databases (rs376051016, gnomAD 0.02%). This variant has not been reported in the literature in individuals affected with CNGB1-related conditions. ClinVar contains an entry for this variant (Variation ID: 1403995). Advanced modeling of protein sequence and biophysical properties (such as structural, functional, and spatial information, amino acid conservation, physicochemical variation, residue mobility, and thermodynamic stability) performed at Invitae indicates that this missense variant is expected to disrupt CNGB1 protein function. In summary, the available evidence is currently insufficient to determine the role of this variant in disease. Therefore, it has been classified as a Variant of Uncertain Significance.

Blueprint Genetics
Classification: Uncertain significance. Last evaluated: 2021-11-25. Review status: criteria provided, single submitter. Criteria: ACMG Guidelines, 2015. Collection method: clinical testing. Allele origin: germline.

Ambry Genetics
Classification: Uncertain significance for Inborn genetic diseases. Last evaluated: 2021-07-09. Review status: criteria provided, single submitter. Criteria: Ambry Variant Classification Scheme 2023. Collection method: clinical testing. Allele origin: germline.

Institute of Human Genetics, Univ. Regensburg, Univ. Regensburg
Classification: Uncertain significance for Retinal dystrophy. Last evaluated: 2023-01-01. Review status: no assertion criteria provided. Criteria: ACMG Guidelines, 2015. Collection method: clinical testing. Allele origin: germline. Affected: yes. Not counted in ClinVar's aggregate classification.

NM_001297.5(CNGB1):c.2134C>T (p.Arg712Cys)

Gene: CNGB1 (cyclic nucleotide gated channel subunit beta 1; minus strand). Cytogenetic location: 16q21.
Variant type: single nucleotide variant.
Coding change: c.2134C>T on transcript NM_001297.5 (MANE Select); coding-DNA position 2134, C replaced by T.
Protein change: p.Arg712Cys; replaces arginine 712 with cysteine.
Molecular consequence: missense variant.
Genome position (GRCh38, 1-based): chr16:57,917,300, G>A on the plus strand (C>T on the coding strand, the complement: CNGB1 is on the minus strand). VCF-style: chr16-57917300-G-A. GRCh37 (hg19) VCF-style: chr16-57951204-G-A.
Other names: c.2134C>T (NM_001297.4); c.2116C>T, p.Arg706Cys (NM_001286130.2); short protein forms R706C, R712C.
Identifiers: ClinVar variation 1403995 (VCV001403995.6), dbSNP rs376051016, ClinGen allele CA8083168.
Genomic context (GRCh38, chr16:57,917,300, plus strand): 5'-ACCCCAACACCACCTGCCTGTGACTCACAATGATGTCCCCGCCTCTGACAAACTGCAGGC[G>A]TGTCTGGAACACGGTGATGTCCAGGAAGTAGATGAGGTCGCATAGGTAATCCATCAGCAG-3'
Protein context (NP_001288.3, residues 702-722): YFLDITVFQT[Arg712Cys]LQFVRGGDII